The following is an entry in ClinVar:

ClinVar aggregate classification (germline): Pathogenic. Review status: criteria provided, single submitter (1 of 4 stars). 3 submissions from 3 submitters: Pathogenic (1). 2 of the submissions do not count toward it. Last evaluated 2024-04-09.

Conditions:
Hypertrophic cardiomyopathy. Also called: HYPERTROPHIC MYOCARDIOPATHY. Identifiers: Orphanet 217569, MedGen C0007194, MeSH D002312, MONDO:0005045, HP:0001639.

Submissions (3):

Labcorp Genetics (formerly Invitae), Labcorp
Classification: Pathogenic for Hypertrophic cardiomyopathy. Last evaluated: 2024-04-09. Review status: criteria provided, single submitter. Criteria: Invitae Variant Classification Sherloc (09022015). Collection method: clinical testing. Allele origin: germline.
Comment: This sequence change affects a donor splice site in intron 17 of the MYBPC3 gene. It is expected to disrupt RNA splicing. Variants that disrupt the donor or acceptor splice site typically lead to a loss of protein function (PMID: 16199547), and loss-of-function variants in MYBPC3 are known to be pathogenic (PMID: 19574547). This variant is not present in population databases (gnomAD no frequency). Disruption of this splice site has been observed in individuals with hypertrophic cardiomyopathy (PMID: 16679492, 27532257; Invitae). ClinVar contains an entry for this variant (Variation ID: 1284521). Algorithms developed to predict the effect of sequence changes on RNA splicing suggest that this variant may disrupt the consensus splice site. For these reasons, this variant has been classified as Pathogenic.

Clinical Genetics DNA and cytogenetics Diagnostics Lab, Erasmus MC, Erasmus Medical Center
Classification: Pathogenic. Review status: no assertion criteria provided. Collection method: clinical testing. Allele origin: germline. Affected: yes. Study: VKGL Data-share Consensus. Not counted in ClinVar's aggregate classification.

Clinical Genetics, Academic Medical Center
Classification: Pathogenic. Review status: no assertion criteria provided. Collection method: clinical testing. Allele origin: germline. Affected: yes. Study: VKGL Data-share Consensus. Not counted in ClinVar's aggregate classification.

Literature cited by the submitters: PubMed 16199547 (cited by Labcorp Genetics (formerly Invitae), Labcorp); PubMed 19574547 (cited by Labcorp Genetics (formerly Invitae), Labcorp); PubMed 16679492 (cited by Labcorp Genetics (formerly Invitae), Labcorp); PubMed 27532257 (cited by Labcorp Genetics (formerly Invitae), Labcorp).

NM_000256.3(MYBPC3):c.1624+1G>A

Gene: MYBPC3 (myosin binding protein C3; minus strand). Cytogenetic location: 11p11.2.
Variant type: single nucleotide variant.
Coding change: c.1624+1G>A on transcript NM_000256.3 (MANE Select); the canonical splice donor site of the intron after coding-DNA position 1624, G replaced by A.
Molecular consequence: splice donor variant.
Genome position (GRCh38, 1-based): chr11:47,342,577, C>T on the plus strand (G>A on the coding strand, the complement: MYBPC3 is on the minus strand). VCF-style: chr11-47342577-C-T. GRCh37 (hg19) VCF-style: chr11-47364128-C-T.
Identifiers: ClinVar variation 1284521 (VCV001284521.11), dbSNP rs1252584025, ClinGen allele CA380324979.